The following is an entry in ClinVar:

ClinVar aggregate classification (germline): Uncertain significance (1 of 4 stars; one submission).

Conditions:
Bloom syndrome (BLM). Also called: Bloom-Torre-Machacek syndrome. Identifiers: Orphanet 125, MedGen C0005859, MONDO:0008876, OMIM 210900.

Submission:

Labcorp Genetics (formerly Invitae), Labcorp
Classification: Uncertain significance for Bloom syndrome. Last evaluated: 2025-05-30. Review status: criteria provided, single submitter. Criteria: Invitae Variant Classification Sherloc (09022015). Collection method: clinical testing. Allele origin: germline.
Comment: This sequence change replaces lysine, which is basic and polar, with asparagine, which is neutral and polar, at codon 1248 of the BLM protein (p.Lys1248Asn). This variant is not present in population databases (gnomAD no frequency). This variant has not been reported in the literature in individuals affected with BLM-related conditions. ClinVar contains an entry for this variant (Variation ID: 2704065). Invitae Evidence Modeling of protein sequence and biophysical properties (such as structural, functional, and spatial information, amino acid conservation, physicochemical variation, residue mobility, and thermodynamic stability) indicates that this missense variant is not expected to disrupt BLM protein function with a negative predictive value of 80%. In summary, the available evidence is currently insufficient to determine the role of this variant in disease. Therefore, it has been classified as a Variant of Uncertain Significance.

NM_000057.4(BLM):c.3744G>C (p.Lys1248Asn)

Gene: BLM (BLM RecQ like helicase; plus strand). Cytogenetic location: 15q26.1.
Variant type: single nucleotide variant.
Coding change: c.3744G>C on transcript NM_000057.4 (MANE Select); coding-DNA position 3744, G replaced by C.
Protein change: p.Lys1248Asn; replaces lysine 1248 with asparagine.
Molecular consequence: missense variant. On other transcripts: intron variant (1).
Genome position (GRCh38, 1-based): chr15:90,804,352, G>C. VCF-style: chr15-90804352-G-C. GRCh37 (hg19) VCF-style: chr15-91347582-G-C.
Other names: c.3744G>C, p.Lys1248Asn (NM_001287246.2); c.2619G>C, p.Lys873Asn (NM_001287248.2); c.3359-4785G>C (NM_001287247.2); short protein forms K1248N, K873N.
Identifiers: ClinVar variation 2704065 (VCV002704065.3), dbSNP rs1596268347, ClinGen allele CA393848299.
Genomic context (GRCh38, chr15:90,804,352, plus strand): 5'-TCTGGGGAAAGTTTTTGGTGTCCATTACTTCAATATTTTTAATACCGTCACTCTCAAGAA[G>C]CTTGCAGGTGGGTACACATGTATCCTTTGTTACGTGGCACAGATTAATAGGCCGAAAGTT-3'
Protein context (NP_000048.1, residues 1238-1258): FNIFNTVTLK[Lys1248Asn]LAESLSSDPE